The following is an entry in ClinVar:

NM_001323289.2(CDKL5):c.825+5G>A

Gene: CDKL5 (cyclin dependent kinase like 5; plus strand). Cytogenetic location: Xp22.13.
Variant type: single nucleotide variant.
Coding change: c.825+5G>A on transcript NM_001323289.2 (MANE Select); 5 bases into the intron after coding-DNA position 825, G replaced by A.
Molecular consequence: intron variant.
Genome position (GRCh38, 1-based): chrX:18,595,433, G>A. VCF-style: chrX-18595433-G-A. GRCh37 (hg19) VCF-style: chrX-18613553-G-A.
Other names: c.825+5G>A (NM_003159.3, NM_001037343.2).
Identifiers: ClinVar variation 452763 (VCV000452763.10), dbSNP rs1555951149, ClinGen allele CA658658937.

ClinVar aggregate classification (germline): Uncertain significance. Review status: criteria provided, multiple submitters, no conflicts (2 of 4 stars). 2 submissions from 2 submitters: Uncertain significance (2). Last evaluated 2022-01-13.

Conditions:
Developmental and epileptic encephalopathy, 2 (DEE2). Also called: INFANTILE SPASM SYNDROME, X-LINKED 2; CDKL5 deficiency disorder. Identifiers: Orphanet 1934, Orphanet 3451, Orphanet 505652, MedGen C4750718, MONDO:0010396, OMIM 300672.
Angelman syndrome-like. Identifiers: MedGen CN128785.

Submissions (2):

Labcorp Genetics (formerly Invitae), Labcorp
Classification: Uncertain significance for Developmental and epileptic encephalopathy, 2; Angelman syndrome-like. Last evaluated: 2022-01-13. Review status: criteria provided, single submitter. Criteria: Invitae Variant Classification Sherloc (09022015). Collection method: clinical testing. Allele origin: germline.
Comment: This sequence change falls in intron 10 of the CDKL5 gene. It does not directly change the encoded amino acid sequence of the CDKL5 protein. It affects a nucleotide within the consensus splice site. In summary, the available evidence is currently insufficient to determine the role of this variant in disease. Therefore, it has been classified as a Variant of Uncertain Significance. Variants that disrupt the consensus splice site are a relatively common cause of aberrant splicing (PMID: 17576681, 9536098). Algorithms developed to predict the effect of sequence changes on RNA splicing suggest that this variant is not likely to affect RNA splicing. ClinVar contains an entry for this variant (Variation ID: 452763). This variant has not been reported in the literature in individuals affected with CDKL5-related conditions. This variant is not present in population databases (gnomAD no frequency).

GeneDx
Classification: Uncertain significance. Last evaluated: 2017-10-16. Review status: criteria provided, single submitter. Criteria: GeneDx Variant Classification (06012015). Collection method: clinical testing. Allele origin: germline. Affected: yes.
Comment: The c.825+5G>A variant in the CDKL5 gene has not been reported previously as a pathogenic variant nor as a benign variant, to our knowledge. The c.825+5G>A variant is not observed in large population cohorts (Lek et al., 2016). However, in silico analyses, including splice predictors and evolutionary conservation, support that this variant does not alter protein structure/function. However, in the absence of RNA/functional studies, the actual effect of c.825+5G>A is unknown. We interpret c.825+5G>A as a variant of uncertain significance.

Literature cited by the submitters: PubMed 17576681 (cited by Labcorp Genetics (formerly Invitae), Labcorp); PubMed 9536098 (cited by Labcorp Genetics (formerly Invitae), Labcorp).